The following is an entry in ClinVar:

ClinVar aggregate classification (germline): Uncertain significance (1 of 4 stars; one submission).

Conditions:
Cardiovascular phenotype. Identifiers: MedGen CN230736.

Allele frequency attached by ClinVar (database versions not stated): TOPMed below 0.00001.

Submission:

Ambry Genetics
Classification: Uncertain significance for Cardiovascular phenotype. Last evaluated: 2022-09-12. Review status: criteria provided, single submitter. Criteria: Ambry Variant Classification Scheme 2023. Collection method: clinical testing. Allele origin: germline.
Comment: The p.I254T variant (also known as c.761T>C), located in coding exon 6 of the SCN10A gene, results from a T to C substitution at nucleotide position 761. The isoleucine at codon 254 is replaced by threonine, an amino acid with similar properties. This amino acid position is conserved. In addition, the in silico prediction for this alteration is inconclusive. Since supporting evidence is limited at this time, the clinical significance of this alteration remains unclear.

NM_006514.4(SCN10A):c.761T>C (p.Ile254Thr)

Gene: SCN10A (sodium voltage-gated channel alpha subunit 10; minus strand). Cytogenetic location: 3p22.2.
Variant type: single nucleotide variant.
Coding change: c.761T>C on transcript NM_006514.4 (MANE Select); coding-DNA position 761, T replaced by C.
Protein change: p.Ile254Thr; replaces isoleucine 254 with threonine.
Molecular consequence: missense variant.
Genome position (GRCh38, 1-based): chr3:38,761,314, A>G on the plus strand (T>C on the coding strand, the complement: SCN10A is on the minus strand). VCF-style: chr3-38761314-A-G. GRCh37 (hg19) VCF-style: chr3-38802805-A-G.
Other names: c.761T>C, p.Ile254Thr (NM_001293306.2, NM_001293307.2); short protein forms I254T.
Identifiers: ClinVar variation 1759843 (VCV001759843.2), dbSNP rs2063868161, ClinGen allele CA352171731.